The following is an entry in ClinVar:

ClinVar aggregate classification (germline): Uncertain significance. Review status: criteria provided, multiple submitters, no conflicts (2 of 4 stars). 2 submissions from 2 submitters: Uncertain significance (2). Last evaluated 2026-05-06.

Conditions:
SLC29A3-related disorder. Also called: SLC29A3-related condition.
H syndrome. Also called: HISTIOCYTOSIS AND LYMPHADENOPATHY WITH OR WITHOUT CUTANEOUS, CARDIAC, AND/OR ENDOCRINE FEATURES, JOINT CONTRACTURES, AND/OR DEAFNESS; HYPERPIGMENTATION, CUTANEOUS, WITH HYPERTRICHOSIS, HEPATOSPLENOMEGALY, HEART ANOMALIES, AND HYPOGONADISM WITH OR WITHOUT HEARING LOSS; PIGMENTED HYPERTRICHOSIS WITH INSULIN-DEPENDENT DIABETES MELLITUS; ROSAI-DORFMAN DISEASE, FAMILIAL; SINUS HISTIOCYTOSIS AND MASSIVE LYMPHADENOPATHY; Hyperpigmentation, Cutaneous, with Hypertrichosis, Hepatosplenomegaly, Heart Anomalies, Hearing Loss, and Hypogonadism. Identifiers: Orphanet 168569, MedGen C1864445, MONDO:0011273, OMIM 602782.

gnomAD v4.1: 11 of 1,614,124 alleles (0.00068%); highest among the groups gnomAD compares: South Asian, 0.0044%; no homozygotes.

Submissions (2):

PreventionGenetics, part of Exact Sciences
Classification: Uncertain significance for SLC29A3-related condition. Last evaluated: 2026-05-06. Review status: criteria provided, single submitter. Criteria: ACMG Guidelines, 2015. Collection method: clinical testing. Allele origin: germline.
Comment: The SLC29A3 c.146G>A variant is predicted to result in the amino acid substitution p.Arg49His. To our knowledge, this variant has not been reported in the literature. This variant is reported in 0.0033% of alleles in individuals of South Asian descent in gnomAD. At this time, the clinical significance of this variant is uncertain due to the absence of conclusive functional and genetic evidence.

Labcorp Genetics (formerly Invitae), Labcorp
Classification: Uncertain significance for H syndrome. Last evaluated: 2024-09-27. Review status: criteria provided, single submitter. Criteria: Invitae Variant Classification Sherloc (09022015). Collection method: clinical testing. Allele origin: germline.
Comment: This sequence change replaces arginine, which is basic and polar, with histidine, which is basic and polar, at codon 49 of the SLC29A3 protein (p.Arg49His). This variant is present in population databases (rs201610819, gnomAD 0.003%). This variant has not been reported in the literature in individuals affected with SLC29A3-related conditions. Invitae Evidence Modeling of protein sequence and biophysical properties (such as structural, functional, and spatial information, amino acid conservation, physicochemical variation, residue mobility, and thermodynamic stability) indicates that this missense variant is not expected to disrupt SLC29A3 protein function with a negative predictive value of 80%. In summary, the available evidence is currently insufficient to determine the role of this variant in disease. Therefore, it has been classified as a Variant of Uncertain Significance.

NM_018344.6(SLC29A3):c.146G>A (p.Arg49His)

Gene: SLC29A3 (solute carrier family 29 member 3; plus strand). Cytogenetic location: 10q22.1.
Variant type: single nucleotide variant.
Coding change: c.146G>A on transcript NM_018344.6 (MANE Select); coding-DNA position 146, G replaced by A.
Protein change: p.Arg49His; replaces arginine 49 with histidine.
Molecular consequence: missense variant. On other transcripts: 5 prime UTR variant (1), non-coding transcript variant (2).
Genome position (GRCh38, 1-based): chr10:71,322,900, G>A. VCF-style: chr10-71322900-G-A. GRCh37 (hg19) VCF-style: chr10-73082657-G-A.
Other names: c.146G>A, p.Arg49His (NM_001174098.2); c.-89G>A (NM_001363518.2); c.146G>A (NM_018344.5); short protein forms R49H.
Identifiers: ClinVar variation 3705903 (VCV003705903.3).